The following is an entry in ClinVar:

NM_001371986.1(UNC80):c.1858C>T (p.Arg620Ter)

Gene: UNC80 (unc-80 subunit of NALCN channel complex; plus strand). Cytogenetic location: 2q34.
Variant type: single nucleotide variant.
Coding change: c.1858C>T on transcript NM_001371986.1 (MANE Select); coding-DNA position 1858, C replaced by T.
Protein change: p.Arg620Ter; replaces arginine 620 with a stop codon.
Molecular consequence: nonsense.
Genome position (GRCh38, 1-based): chr2:209,819,157, C>T. VCF-style: chr2-209819157-C-T. GRCh37 (hg19) VCF-style: chr2-210683881-C-T.
Other names: c.1858C>T, p.Arg620Ter (NM_032504.2, NM_182587.4); short protein forms R620*.
Identifiers: ClinVar variation 1361501 (VCV001361501.6), dbSNP rs2153827732, ClinGen allele CA350135826.

ClinVar aggregate classification (germline): Pathogenic (1 of 4 stars; one submission).

gnomAD v4.1: 7 of 1,552,176 alleles (0.00045%); highest among the groups gnomAD compares: South Asian, 0.0024%; no homozygotes.

Submission:

Labcorp Genetics (formerly Invitae), Labcorp
Classification: Pathogenic. Last evaluated: 2021-08-14. Review status: criteria provided, single submitter. Criteria: Invitae Variant Classification Sherloc (09022015). Collection method: clinical testing. Allele origin: germline.
Comment: This sequence change creates a premature translational stop signal (p.Arg620*) in the UNC80 gene. It is expected to result in an absent or disrupted protein product. Loss-of-function variants in UNC80 are known to be pathogenic (PMID: 26545877, 26708751, 26708753). This variant is not present in population databases (ExAC no frequency). This variant has not been reported in the literature in individuals affected with UNC80-related conditions. For these reasons, this variant has been classified as Pathogenic.

Literature cited by the submitters: PubMed 26545877; PubMed 26708751; PubMed 26708753.